The following is an entry in ClinVar:

ClinVar aggregate classification (germline): Benign (1 of 4 stars; one submission).

Conditions:
Immunodeficiency 104. Also called: SCID, AUTOSOMAL RECESSIVE, T CELL-NEGATIVE, B CELL-POSITIVE, NK CELL-POSITIVE; Severe Combined Immune Deficiency, Autosomal Recessive, TCell -Negative, B Cell-Positive, NK Cell-Positive, IL7R-Related; Severe combined immunodeficiency, autosomal recessive, T cell-negative, B cell-positive, NK cell-positive; IMMUNODEFICIENCY 104, SEVERE COMBINED. Identifiers: MedGen C5676890, MONDO:0012163, OMIM 608971.

Allele frequency attached by ClinVar (database versions not stated): gnomAD exomes 0.00027; gnomAD 0.00063 and 0.00088; TOPMed 0.00073; 1000 Genomes Project 30x 0.00625; 1000 Genomes Project 0.00679.
gnomAD v4.1: 161 of 233,196 alleles (0.069%); highest among the groups gnomAD compares: East Asian, 0.57%; no homozygotes.

Submission:

Illumina Laboratory Services, Illumina
Classification: Benign for Immunodeficiency 104. Last evaluated: 2018-01-12. Review status: criteria provided, single submitter. Criteria: ICSL Variant Classification Criteria 13 December 2019. Collection method: clinical testing. Allele origin: germline.
Comment: This variant was observed in the ICSL laboratory as part of a predisposition screen in an ostensibly healthy population. It had not been previously curated by ICSL or reported in the Human Gene Mutation Database (HGMD: prior to June 1st, 2018), and was therefore a candidate for classification through an automated scoring system. Utilizing variant allele frequency, disease prevalence and penetrance estimates, and inheritance mode, an automated score was calculated to assess if this variant is too frequent to cause the disease. Based on the score and internal cut-off values, a variant classified as benign is not then subjected to further curation. The score for this variant resulted in a classification of benign for this disease.

NM_002185.5(IL7R):c.*830A>C

Gene: IL7R (interleukin 7 receptor; plus strand). Cytogenetic location: 5p13.2.
Variant type: single nucleotide variant.
Coding change: c.*830A>C on transcript NM_002185.5 (MANE Select); 830 bases downstream of the stop codon, A replaced by C.
Molecular consequence: 3 prime UTR variant. On other transcripts: non-coding transcript variant (1).
Genome position (GRCh38, 1-based): chr5:35,877,316, A>C. VCF-style: chr5-35877316-A-C. GRCh37 (hg19) VCF-style: chr5-35877418-A-C.
Identifiers: ClinVar variation 353282 (VCV000353282.5), dbSNP rs11567769, ClinGen allele CA10620294.